The following is an entry in ClinVar:

ClinVar aggregate classification (germline): Uncertain significance. Review status: criteria provided, multiple submitters, no conflicts (2 of 4 stars). 2 submissions from 2 submitters: Uncertain significance (2). Last evaluated 2023-09-25.

Conditions:
Inborn genetic diseases. Identifiers: MedGen C0950123, MeSH D030342.

Allele frequency attached by ClinVar (database versions not stated): ExAC 0.00010; gnomAD exomes 0.00011; ESP Exome Variant Server 0.00015; gnomAD 0.00017 and 0.00019; TOPMed 0.00017.
gnomAD v4.1: 98 of 1,612,968 alleles (0.0061%); highest among the groups gnomAD compares: African/African-American, 0.04%; no homozygotes.

Submissions (2):

Ambry Genetics
Classification: Uncertain significance for Inborn genetic diseases. Last evaluated: 2023-09-25. Review status: criteria provided, single submitter. Criteria: Ambry Variant Classification Scheme 2023. Collection method: clinical testing. Allele origin: germline.

Labcorp Genetics (formerly Invitae), Labcorp
Classification: Uncertain significance. Last evaluated: 2021-08-27. Review status: criteria provided, single submitter. Criteria: Invitae Variant Classification Sherloc (09022015). Collection method: clinical testing. Allele origin: germline.
Comment: This sequence change replaces glycine with arginine at codon 566 of the C6 protein (p.Gly566Arg). The glycine residue is highly conserved and there is a moderate physicochemical difference between glycine and arginine. This variant is present in population databases (rs372194362, ExAC 0.06%). This variant has not been reported in the literature in individuals affected with C6-related conditions. Algorithms developed to predict the effect of missense changes on protein structure and function are either unavailable or do not agree on the potential impact of this missense change (SIFT: "Deleterious"; PolyPhen-2: "Probably Damaging"; Align-GVGD: "Class C0"). In summary, the available evidence is currently insufficient to determine the role of this variant in disease. Therefore, it has been classified as a Variant of Uncertain Significance.

NM_000065.5(C6):c.1696G>A (p.Gly566Arg)

Gene: C6 (complement C6; minus strand). Cytogenetic location: 5p13.1.
Variant type: single nucleotide variant.
Coding change: c.1696G>A on transcript NM_000065.5 (MANE Select); coding-DNA position 1696, G replaced by A.
Protein change: p.Gly566Arg; replaces glycine 566 with arginine.
Molecular consequence: missense variant.
Genome position (GRCh38, 1-based): chr5:41,159,242, C>T on the plus strand (G>A on the coding strand, the complement: C6 is on the minus strand). VCF-style: chr5-41159242-C-T. GRCh37 (hg19) VCF-style: chr5-41159344-C-T.
Other names: c.1696G>A, p.Gly566Arg (NM_001115131.4); c.1696G>A (NM_000065.2); short protein forms G566R.
Identifiers: ClinVar variation 1448343 (VCV001448343.4), dbSNP rs372194362, ClinGen allele CA3252363.